The following is an entry in ClinVar:

ClinVar aggregate classification (germline): Pathogenic/Likely pathogenic. Review status: criteria provided, multiple submitters, no conflicts (2 of 4 stars). 3 submissions from 3 submitters: Pathogenic (1); Likely pathogenic (2). Last evaluated 2025-01-15.

Conditions:
Leukoencephalopathy with brain stem and spinal cord involvement-high lactate syndrome (LBSL). Also called: MITOCHONDRIAL ASPARTYL-tRNA SYNTHETASE DEFICIENCY; LEUKOENCEPHALOPATHY WITH BRAINSTEM AND SPINAL CORD INVOLVEMENT AND LACTATE ELEVATION, MILD; Leukoencephalopathy with Brainstem and Spinal Cord Involvement and Lactate Elevation. Identifiers: Orphanet 137898, MedGen C1970180, MONDO:0012622, OMIM 611105.

Allele frequency attached by ClinVar (database versions not stated): gnomAD 0.00001; gnomAD exomes 0.00001; ExAC 0.00002.

Submissions (3):

Broad Center for Mendelian Genomics, Broad Institute of MIT and Harvard
Classification: Likely pathogenic for Leukoencephalopathy with brain stem and spinal cord involvement-high lactate syndrome. Last evaluated: 2025-01-15. Review status: criteria provided, single submitter. Criteria: ACMG Guidelines, 2015. Collection method: curation. Allele origin: germline. Inheritance: Autosomal recessive inheritance.
Comment: The p.Cys54TrpfsTer44 variant in DARS2 has not been reported in the literature in individuals with leukoencephalopathy with brain stem and spinal cord involvement-high lactate syndrome, but has been identified in 0.001% (1/90962) of South Asian chromosomes by the Genome Aggregation Database (gnomAD; dbSNP rs773706813). Although this variant has been seen in the general population in a heterozygous state, its frequency is low enough to be consistent with a recessive carrier frequency. This variant has also been reported in ClinVar (Variation ID: 501895) and has been interpreted as likely pathogenic by Eurofins Ntd Llc and Invitae. This variant is predicted to cause a frameshift, which alters the protein's amino acid sequence beginning at position 54 and leads to a premature termination codon 44 amino acids downstream. This alteration is then predicted to lead to a truncated or absent protein. Loss of function of the DARS2 gene is an established disease mechanism in autosomal recessive leukoencephalopathy with brain stem and spinal cord involvement-high lactate syndrome. In summary, although additional studies are required to fully establish its clinical significance, this variant is likely pathogenic for autosomal recessive leukoencephalopathy with brain stem and spinal cord involvement-high lactate syndrome. ACMG/AMP Criteria applied: PVS1, PM2_supporting.

Labcorp Genetics (formerly Invitae), Labcorp
Classification: Pathogenic. Last evaluated: 2024-06-27. Review status: criteria provided, single submitter. Criteria: Invitae Variant Classification Sherloc (09022015). Collection method: clinical testing. Allele origin: germline.
Comment: This sequence change creates a premature translational stop signal (p.Cys54Trpfs*44) in the DARS2 gene. It is expected to result in an absent or disrupted protein product. Loss-of-function variants in DARS2 are known to be pathogenic (PMID: 17384640, 24566671). This variant is present in population databases (rs773706813, gnomAD 0.003%). This variant has not been reported in the literature in individuals affected with DARS2-related conditions. ClinVar contains an entry for this variant (Variation ID: 501895). For these reasons, this variant has been classified as Pathogenic.

Eurofins Ntd Llc (ga)
Classification: Likely pathogenic. Last evaluated: 2017-05-04. Review status: criteria provided, single submitter. Criteria: EGL Classification Definitions 2015. Collection method: clinical testing. Allele origin: germline. Observed: 1 variant allele, 1 heterozygote.

Literature cited by the submitters: PubMed 17384640 (cited by Labcorp Genetics (formerly Invitae), Labcorp); PubMed 24566671 (cited by Labcorp Genetics (formerly Invitae), Labcorp).

NM_018122.5(DARS2):c.159_160del (p.Cys54fs)

Gene: DARS2 (aspartyl-tRNA synthetase 2, mitochondrial; plus strand). Cytogenetic location: 1q25.1.
Variant type: Deletion.
Coding change: c.159_160del on transcript NM_018122.5 (MANE Select); coding-DNA positions 159 to 160, 2 bases deleted (AT; older notation c.159_160delAT).
Protein change: p.Cys54fs; shifts the reading frame from cysteine 54.
Molecular consequence: frameshift variant.
Genome position (GRCh38, 1-based): chr1:173,826,718-173,826,719, AT deleted. VCF-style (leftmost placement, unchanged base first): chr1-173826717-CAT-C. GRCh37 (hg19) VCF-style: chr1-173795855-CAT-C.
Other names: NM_018122.5(DARS2):c.159_160del; p.Cys54fs; c.159_160del, p.Cys54fs (NM_001365212.1, NM_001365213.2); short protein forms C54fs.
Identifiers: ClinVar variation 501895 (VCV000501895.8), dbSNP rs773706813, ClinGen allele CA1250014.
Genomic context (GRCh38, chr1:173,826,717, plus strand): 5'-TAAAGTTTCTTTTTTTTTTTTTTTTTAAAGAATTCAGTAGCTTTGTTGTCCGGACCAACA[CAT>C]GTGGAGAGTTGCGTTCGTCTCACTTAGGCCAAGAAGTCACCTTGTGTGGATGGATTCAGT-3'